The following is an entry in ClinVar:

NM_004444.5(EPHB4):c.1845C>T (p.Val615=)

Gene: EPHB4 (EPH receptor B4; minus strand). Cytogenetic location: 7q22.1.
Variant type: single nucleotide variant.
Coding change: c.1845C>T on transcript NM_004444.5 (MANE Select); coding-DNA position 1845, C replaced by T.
Protein change: p.Val615=; no amino-acid change (valine 615 retained).
Molecular consequence: synonymous variant.
Genome position (GRCh38, 1-based): chr7:100,813,120, G>A on the plus strand (C>T on the coding strand, the complement: EPHB4 is on the minus strand). VCF-style: chr7-100813120-G-A. GRCh37 (hg19) VCF-style: chr7-100410742-G-A.
Identifiers: ClinVar variation 4534872 (VCV004534872.6).

ClinVar aggregate classification (germline): Likely benign (1 of 4 stars; one submission).

gnomAD v4.1: 1 of 1,613,052 alleles (0.000062%); highest among the groups gnomAD compares: African/African-American, 0.0013%; no homozygotes.

Submission:

CeGaT Center for Human Genetics Tuebingen
Classification: Likely benign. Last evaluated: 2025-10-01. Review status: criteria provided, single submitter. Criteria: CeGaT Center For Human Genetics Tuebingen Variant Classification Criteria Version 2. Collection method: clinical testing. Allele origin: germline. Affected: yes. Observed: 1 variant allele.
Comment: EPHB4: BP4, BP7